The following is an entry in ClinVar:

NM_001267550.2(TTN):c.106212A>C (p.Val35404=)

Genes: TTN-AS1 (TTN antisense RNA 1; plus strand), TTN (titin; minus strand). Cytogenetic location: 2q31.2.
Variant type: single nucleotide variant.
Coding change: c.106212A>C on transcript NM_001267550.2 (MANE Select); coding-DNA position 106212, A replaced by C.
Protein change: p.Val35404=; no amino-acid change (valine 35404 retained).
Molecular consequence: synonymous variant.
Genome position (GRCh38, 1-based): chr2:178,530,403, T>G on the plus strand (A>C on the coding strand, the complement: TTN is on the minus strand). VCF-style: chr2-178530403-T-G. GRCh37 (hg19) VCF-style: chr2-179395130-T-G.
Other names: p.Val33763=; c.101289A>C, p.Val33763= (NM_001256850.1); c.79017A>C, p.Val26339= (NM_003319.4); c.98508A>C, p.Val32836= (NM_133378.4); c.79392A>C, p.Val26464= (NM_133432.3); c.79593A>C, p.Val26531= (NM_133437.4).
Identifiers: ClinVar variation 1658387 (VCV001658387.9), dbSNP rs1312103333, ClinGen allele CA430235286.

ClinVar aggregate classification (germline): Likely benign. Review status: criteria provided, multiple submitters, no conflicts (2 of 4 stars). 2 submissions from 2 submitters: Likely benign (2). Last evaluated 2025-08-08.

Conditions:
Autosomal recessive limb-girdle muscular dystrophy type 2J (LGMDR10). Also called: Limb-girdle muscular dystrophy, type 2J; MUSCULAR DYSTROPHY, LIMB-GIRDLE, AUTOSOMAL RECESSIVE 10. Identifiers: Orphanet 140922, MedGen C1837342, MONDO:0012127, OMIM 608807.
Dilated cardiomyopathy 1G (CMD1G). Identifiers: Orphanet 154, MedGen C1858763, MONDO:0011400, OMIM 604145.

Submissions (2):

Labcorp Genetics (formerly Invitae), Labcorp
Classification: Likely benign for Dilated cardiomyopathy 1G; Autosomal recessive limb-girdle muscular dystrophy type 2J. Last evaluated: 2025-08-08. Review status: criteria provided, single submitter. Criteria: Invitae Variant Classification Sherloc (09022015). Collection method: clinical testing. Allele origin: germline.

Mayo Clinic Laboratories, Mayo Clinic
Classification: Likely benign. Last evaluated: 2025-06-12. Review status: criteria provided, single submitter. Criteria: ACMG Guidelines, 2015. Collection method: clinical testing. Allele origin: germline. Observed: 1 variant allele.
Comment: BP4, BP7, PM2_supporting